The following is an entry in ClinVar:

NM_000059.4(BRCA2):c.4828dup (p.Val1610fs)

Gene: BRCA2 (BRCA2 DNA repair associated; plus strand). Cytogenetic location: 13q13.1.
Variant type: Duplication.
Coding change: c.4828dup on transcript NM_000059.4 (MANE Select); coding-DNA position 4828, one base duplicated (G; older notation c.4828dupG).
Protein change: p.Val1610fs; shifts the reading frame from valine 1610.
Molecular consequence: frameshift variant.
Genome position (GRCh38, 1-based): chr13:32,339,183, G duplicated. VCF-style (leftmost placement, unchanged base first): chr13-32339182-T-TG. GRCh37 (hg19) VCF-style: chr13-32913319-T-TG.
Other names: 5056insG; c.4828dupG (NM_000059.3); short protein forms V1610fs.
Identifiers: ClinVar variation 51720 (VCV000051720.17), dbSNP rs397507744, ClinGen allele CA020877.

ClinVar aggregate classification (germline): Pathogenic. Review status: reviewed by expert panel (3 of 4 stars). 5 submissions from 5 submitters: Pathogenic (1). 4 of the submissions do not count toward it. Last evaluated 2016-10-18.

Conditions:
Hereditary breast ovarian cancer syndrome. Also called: Hereditary breast and ovarian cancer syndrome; Hereditary breast and ovarian cancer; Hereditary breast and ovarian cancer syndrome (HBOC); Breast and ovarian cancer; Hereditary breast and/or ovarian cancer syndrome; BRCA1- and BRCA2-Associated Hereditary Breast and Ovarian Cancer. Identifiers: Orphanet 145, MedGen C0677776, MeSH D061325, MONDO:0003582. Disease mechanism: loss of function.
Hereditary cancer-predisposing syndrome. Also called: Neoplastic Syndromes, Hereditary; Tumor predisposition; Hereditary neoplastic syndrome; Hereditary Cancer Syndrome. Identifiers: Orphanet 140162, MedGen C0027672, MeSH D009386, MONDO:0015356.
Breast-ovarian cancer, familial, susceptibility to, 2 (BROVCA2). Also called: BRCA2 Hereditary Breast and Ovarian Cancer. Identifiers: Orphanet 145, MedGen C2675520, MONDO:0012933, OMIM 612555. Disease mechanism: loss of function.

Submissions (5):

Evidence-based Network for the Interpretation of Germline Mutant Alleles (ENIGMA)
Classification: Pathogenic for Breast-ovarian cancer, familial, susceptibility to, 2. Last evaluated: 2016-10-18. Review status: reviewed by expert panel. Criteria: ENIGMA BRCA1/2 Classification Criteria (2015). Collection method: curation. Allele origin: germline.
Comment: Variant allele predicted to encode a truncated non-functional protein.

Ambry Genetics
Classification: Pathogenic for Hereditary cancer-predisposing syndrome. Last evaluated: 2021-10-21. Review status: criteria provided, single submitter. Criteria: Ambry Variant Classification Scheme 2023. Collection method: clinical testing. Allele origin: germline. Not counted in ClinVar's aggregate classification.
Comment: The c.4828dupG pathogenic mutation, located in coding exon 10 of the BRCA2 gene, results from a duplication of G at nucleotide position 4828, causing a translational frameshift with a predicted alternate stop codon (p.V1610Gfs*5). This alteration, referred to as 5056insG, was identified in 3/241 individuals considered to be at moderate to high risk for Hereditary Breast and Ovarian Cancer syndrome (Al-Mulla F et al. J Clin Pathol, 2009 Apr;62:350-6). In addition to the clinical data presented in the literature, this alteration is expected to result in loss of function by premature protein truncation or nonsense-mediated mRNA decay. As such, this alteration is interpreted as a disease-causing mutation.

Labcorp Genetics (formerly Invitae), Labcorp
Classification: Pathogenic for Hereditary breast ovarian cancer syndrome. Last evaluated: 2019-05-02. Review status: criteria provided, single submitter. Criteria: Invitae Variant Classification Sherloc (09022015). Collection method: clinical testing. Allele origin: germline. Not counted in ClinVar's aggregate classification.
Comment: For these reasons, this variant has been classified as Pathogenic. Loss-of-function variants in BRCA2 are known to be pathogenic (PMID: 20104584). This variant has been reported in individuals from high risk families for hereditary breast and/or ovarian cancer (PMID: 19329713). ClinVar contains an entry for this variant (Variation ID: 51720). This variant is not present in population databases (ExAC no frequency). This sequence change creates a premature translational stop signal (p.Val1610Glyfs*5) in the BRCA2 gene. It is expected to result in an absent or disrupted protein product.

GeneDx
Classification: Pathogenic. Last evaluated: 2017-03-08. Review status: criteria provided, single submitter. Criteria: GeneDx Variant Classification (06012015). Collection method: clinical testing. Allele origin: germline. Affected: yes. Not counted in ClinVar's aggregate classification.
Comment: This duplication of one nucleotide in BRCA2 is denoted c.4828dupG at the cDNA level and p.Val1610GlyfsX5 (V1610GfsX5) at the protein level. The normal sequence, with the base that is duplicated in brackets, is GACT[dupG]TGGT. The duplication causes a frameshift which changes a Valine to a Glycine at codon 1610, and creates a premature stop codon at position 5 of the new reading frame. This variant is predicted to cause loss of normal protein function through either protein truncation or nonsense-mediated mRNA decay. BRCA2 c.4828dupG, also published as BRCA2 5056insG, has been observed in at least three individuals with either a personal or family history of breast and/or ovarian cancer (Al-Mulla 2009). We consider BRCA2 c.4828dupG to be pathogenic.

Consortium of Investigators of Modifiers of BRCA1/2 (CIMBA), c/o University of Cambridge
Classification: Pathogenic for Breast-ovarian cancer, familial, susceptibility to, 2. Last evaluated: 2015-10-02. Review status: criteria provided, single submitter. Criteria: CIMBA Mutation Classification guidelines May 2016. Collection method: clinical testing. Allele origin: germline. Not counted in ClinVar's aggregate classification.

Literature cited by the submitters: PubMed 19329713 (cited by Ambry Genetics and Labcorp Genetics (formerly Invitae), Labcorp); PubMed 20104584 (cited by Labcorp Genetics (formerly Invitae), Labcorp).